The following is an entry in ClinVar:

NM_004304.5(ALK):c.1699G>A (p.Val567Met)

Gene: ALK (ALK receptor tyrosine kinase; minus strand). Cytogenetic location: 2p23.2.
Variant type: single nucleotide variant.
Coding change: c.1699G>A on transcript NM_004304.5 (MANE Select); coding-DNA position 1699, G replaced by A.
Protein change: p.Val567Met; replaces valine 567 with methionine.
Molecular consequence: missense variant.
Genome position (GRCh38, 1-based): chr2:29,297,006, C>T on the plus strand (G>A on the coding strand, the complement: ALK is on the minus strand). VCF-style: chr2-29297006-C-T. GRCh37 (hg19) VCF-style: chr2-29519872-C-T.
Other names: short protein forms V567M.
Identifiers: ClinVar variation 470767 (VCV000470767.8), dbSNP rs1553406025, ClinGen allele CA346466442.

ClinVar aggregate classification (germline): Uncertain significance (1 of 4 stars; one submission).

Conditions:
Neuroblastoma, susceptibility to, 3. Also called: ALK-Related Neuroblastic Tumor Susceptibility. Identifiers: Orphanet 635, MedGen C2751681, MONDO:0013083, OMIM 613014.

Submission:

Labcorp Genetics (formerly Invitae), Labcorp
Classification: Uncertain significance for Neuroblastoma, susceptibility to, 3. Last evaluated: 2024-04-05. Review status: criteria provided, single submitter. Criteria: Invitae Variant Classification Sherloc (09022015). Collection method: clinical testing. Allele origin: germline.
Comment: This sequence change replaces valine, which is neutral and non-polar, with methionine, which is neutral and non-polar, at codon 567 of the ALK protein (p.Val567Met). This variant is not present in population databases (gnomAD no frequency). This variant has not been reported in the literature in individuals affected with ALK-related conditions. ClinVar contains an entry for this variant (Variation ID: 470767). Algorithms developed to predict the effect of missense changes on protein structure and function output the following: SIFT: "Not Available"; PolyPhen-2: "Benign"; Align-GVGD: "Not Available". The methionine amino acid residue is found in multiple mammalian species, which suggests that this missense change does not adversely affect protein function. In summary, the available evidence is currently insufficient to determine the role of this variant in disease. Therefore, it has been classified as a Variant of Uncertain Significance.